The following is an entry in ClinVar:

NM_004341.5(CAD):c.2079G>A (p.Leu693=)

Gene: CAD (carbamoyl-phosphate synthetase 2, aspartate transcarbamylase, and dihydroorotase; plus strand). Cytogenetic location: 2p23.3.
Variant type: single nucleotide variant.
Coding change: c.2079G>A on transcript NM_004341.5 (MANE Select); coding-DNA position 2079, G replaced by A.
Protein change: p.Leu693=; no amino-acid change (leucine 693 retained).
Molecular consequence: synonymous variant.
Genome position (GRCh38, 1-based): chr2:27,226,572, G>A. VCF-style: chr2-27226572-G-A. GRCh37 (hg19) VCF-style: chr2-27449440-G-A.
Other names: p.Leu693=; c.1890G>A, p.Leu630= (NM_001306079.2).
Identifiers: ClinVar variation 788389 (VCV000788389.15), dbSNP rs61737363, ClinGen allele CA1572911.

ClinVar aggregate classification (germline): Benign. Review status: criteria provided, multiple submitters, no conflicts (2 of 4 stars). 4 submissions from 4 submitters: Benign (3). 1 of the submissions does not count toward it. Last evaluated 2026-02-04.

Conditions:
CAD-related disorder. Also called: CAD-related condition.

Allele frequency attached by ClinVar (database versions not stated): gnomAD exomes 0.00078 and 0.00235; ExAC 0.00302; gnomAD 0.00893 and 0.00959; ESP Exome Variant Server 0.01000; TOPMed 0.01024; 1000 Genomes Project 0.01118; 1000 Genomes Project 30x 0.01343.
gnomAD v4.1: 2,558 of 1,614,100 alleles (0.16%); highest among the groups gnomAD compares: African/African-American, 3%; 35 homozygotes.

Submissions (4):

Labcorp Genetics (formerly Invitae), Labcorp
Classification: Benign. Last evaluated: 2026-02-04. Review status: criteria provided, single submitter. Criteria: Invitae Variant Classification Sherloc (09022015). Collection method: clinical testing. Allele origin: germline.

Mayo Clinic Laboratories, Mayo Clinic
Classification: Benign. Last evaluated: 2025-03-11. Review status: criteria provided, single submitter. Criteria: ACMG Guidelines, 2015. Collection method: clinical testing. Allele origin: germline. Observed: 1 variant allele.
Comment: BA1, BP4, BP7

Breakthrough Genomics
Classification: Benign. Review status: criteria provided, single submitter. Criteria: ACMG Guidelines, 2015. Collection method: not provided. Allele origin: germline. Inheritance: Autosomal recessive inheritance. Affected: yes.

PreventionGenetics, part of Exact Sciences
Classification: Benign for CAD-related condition. Last evaluated: 2019-06-14. Review status: no assertion criteria provided. Collection method: clinical testing. Allele origin: germline. Not counted in ClinVar's aggregate classification.
Comment: This variant is classified as benign based on ACMG/AMP sequence variant interpretation guidelines (Richards et al. 2015 PMID: 25741868, with internal and published modifications).